The following is an entry in ClinVar:

ClinVar aggregate classification (germline): Uncertain significance (1 of 4 stars; one submission).

Allele frequency attached by ClinVar (database versions not stated): gnomAD exomes below 0.00001.
gnomAD v4.1: 5 of 1,612,278 alleles (0.00031%); highest among the groups gnomAD compares: African/African-American, 0.0067%; no homozygotes.

Submission:

Ambry Genetics
Classification: Uncertain significance. Last evaluated: 2023-04-24. Review status: criteria provided, single submitter. Criteria: Ambry Variant Classification Scheme 2023. Collection method: clinical testing. Allele origin: germline.
Comment: The p.E310D variant (also known as c.930A>C), located in coding exon 11 of the NPAT gene, results from an A to C substitution at nucleotide position 930. The glutamic acid at codon 310 is replaced by aspartic acid, an amino acid with highly similar properties. This amino acid position is conserved. In addition, this alteration is predicted to be tolerated by in silico analysis. Since supporting evidence is limited at this time, the clinical significance of this alteration remains unclear.

NM_002519.3(NPAT):c.930A>C (p.Glu310Asp)

Gene: NPAT (nuclear protein, coactivator of histone transcription; minus strand). Cytogenetic location: 11q22.3.
Variant type: single nucleotide variant.
Coding change: c.930A>C on transcript NM_002519.3 (MANE Select); coding-DNA position 930, A replaced by C.
Protein change: p.Glu310Asp; replaces glutamic acid 310 with aspartic acid.
Molecular consequence: missense variant.
Genome position (GRCh38, 1-based): chr11:108,177,067, T>G on the plus strand (A>C on the coding strand, the complement: NPAT is on the minus strand). VCF-style: chr11-108177067-T-G. GRCh37 (hg19) VCF-style: chr11-108047794-T-G.
Other names: c.930A>C, p.Glu310Asp (NM_001321307.1); short protein forms E310D.
Identifiers: ClinVar variation 2567983 (VCV002567983.2), dbSNP rs2078014476, ClinGen allele CA382517365.